The following is an entry in ClinVar:

ClinVar aggregate classification (germline): Uncertain significance (1 of 4 stars; one submission).

Conditions:
PKD1-related disorder. Also called: PKD1-related condition.

gnomAD v4.1: 1 of 1,605,968 alleles (0.000062%); highest among the groups gnomAD compares: Admixed American, 0.0017%; no homozygotes.

Submission:

PreventionGenetics, part of Exact Sciences
Classification: Uncertain significance for PKD1-related condition. Last evaluated: 2025-10-09. Review status: criteria provided, single submitter. Criteria: ACMG Guidelines, 2015. Collection method: clinical testing. Allele origin: germline.
Comment: The PKD1 c.10883A>G variant is predicted to result in the amino acid substitution p.Asp3628Gly. To our knowledge, this variant has not been reported in the literature. This variant is reported in 0.0030% of alleles in individuals of Latino descent in gnomAD. At this time, the clinical significance of this variant is uncertain due to the absence of conclusive functional and genetic evidence.

NM_001009944.3(PKD1):c.10883A>G (p.Asp3628Gly)

Genes: PKD1 (polycystin 1, transient receptor potential channel interacting; minus strand), PKD1-AS1 (PKD1 antisense RNA 1; plus strand). Cytogenetic location: 16p13.3.
Variant type: single nucleotide variant.
Coding change: c.10883A>G on transcript NM_001009944.3 (MANE Select); coding-DNA position 10883, A replaced by G.
Protein change: p.Asp3628Gly; replaces aspartic acid 3628 with glycine.
Molecular consequence: missense variant.
Genome position (GRCh38, 1-based): chr16:2,093,677, T>C on the plus strand (A>G on the coding strand, the complement: PKD1 is on the minus strand). VCF-style: chr16-2093677-T-C. GRCh37 (hg19) VCF-style: chr16-2143678-T-C.
Other names: c.10880A>G, p.Asp3627Gly (NM_000296.4); short protein forms D3627G, D3628G.
Identifiers: ClinVar variation 4982859 (VCV004982859.1).